The following is an entry in ClinVar:

ClinVar aggregate classification (germline): Benign/Likely benign. Review status: criteria provided, multiple submitters, no conflicts (2 of 4 stars). 4 submissions from 4 submitters: Benign (1); Likely benign (2). 1 of the submissions does not count toward it. Last evaluated 2026-01-12.

Conditions:
LONP1-related disorder. Also called: LONP1-related disorders; LONP1-related condition.

Allele frequency attached by ClinVar (database versions not stated): gnomAD exomes 0.00020 and 0.00043; ExAC 0.00044; gnomAD 0.00157 and 0.00168; TOPMed 0.00169; 1000 Genomes Project 30x 0.00172; 1000 Genomes Project 0.00180; ESP Exome Variant Server 0.00200.
gnomAD v4.1: 548 of 1,613,128 alleles (0.034%); highest among the groups gnomAD compares: African/African-American, 0.57%; 2 homozygotes.

Submissions (5):

Labcorp Genetics (formerly Invitae), Labcorp
Classification: Benign. Last evaluated: 2026-01-12. Review status: criteria provided, single submitter. Criteria: Invitae Variant Classification Sherloc (09022015). Collection method: clinical testing. Allele origin: germline.

Blueprint Genetics
Classification: Likely benign. Last evaluated: 2024-08-23. Review status: criteria provided, single submitter. Criteria: ACMG Guidelines, 2015. Collection method: clinical testing. Allele origin: germline.

CeGaT Center for Human Genetics Tuebingen
Classification: Likely benign. Last evaluated: 2023-02-01. Review status: criteria provided, single submitter. Criteria: CeGaT Center For Human Genetics Tuebingen Variant Classification Criteria Version 2. Collection method: clinical testing. Allele origin: germline. Affected: yes. Observed: 1 variant allele.
Comment: LONP1: BP4, BP7

PreventionGenetics, part of Exact Sciences
Classification: Likely benign for LONP1-related condition. Last evaluated: 2022-07-08. Review status: no assertion criteria provided. Collection method: clinical testing. Allele origin: germline. Not counted in ClinVar's aggregate classification.
Comment: This variant is classified as likely benign based on ACMG/AMP sequence variant interpretation guidelines (Richards et al. 2015 PMID: 25741868, with internal and published modifications).

Dr. Peter K. Rogan Lab, Western University
No classification provided (evidence only). Condition: Cervical cancer. Review status: no classification provided. Collection method: in vitro. Allele origin: not applicable. Functional consequence: retained intron. Not counted in ClinVar's aggregate classification.

NM_004793.4(LONP1):c.2190C>T (p.Gly730=)

Gene: LONP1 (lon peptidase 1, mitochondrial; minus strand). Cytogenetic location: 19p13.3.
Variant type: single nucleotide variant.
Coding change: c.2190C>T on transcript NM_004793.4 (MANE Select); coding-DNA position 2190, C replaced by T.
Protein change: p.Gly730=; no amino-acid change (glycine 730 retained).
Molecular consequence: synonymous variant. On other transcripts: non-coding transcript variant (1).
Genome position (GRCh38, 1-based): chr19:5,694,517, G>A on the plus strand (C>T on the coding strand, the complement: LONP1 is on the minus strand). VCF-style: chr19-5694517-G-A. GRCh37 (hg19) VCF-style: chr19-5694528-G-A.
Other names: c.1998C>T, p.Gly666= (NM_001276479.2); c.1602C>T, p.Gly534= (NM_001276480.1).
Identifiers: ClinVar variation 779180 (VCV000779180.35), dbSNP rs145873959, ClinGen allele CA9114226.